The following is an entry in ClinVar:

NM_005751.5(AKAP9):c.6692T>C (p.Met2231Thr)

Gene: AKAP9 (A-kinase anchoring protein 9; plus strand). Cytogenetic location: 7q21.2.
Variant type: single nucleotide variant.
Coding change: c.6692T>C on transcript NM_005751.5 (MANE Select); coding-DNA position 6692, T replaced by C.
Protein change: p.Met2231Thr; replaces methionine 2231 with threonine.
Molecular consequence: missense variant.
Genome position (GRCh38, 1-based): chr7:92,076,934, T>C. VCF-style: chr7-92076934-T-C. GRCh37 (hg19) VCF-style: chr7-91706248-T-C.
Other names: c.1337T>C, p.Met446Thr (NM_001379277.1); c.6668T>C, p.Met2223Thr (NM_147185.3); short protein forms M446T, M2231T, M2223T.
Identifiers: ClinVar variation 3281742 (VCV003281742.1).

ClinVar aggregate classification (germline): Uncertain significance (1 of 4 stars; one submission).

Conditions:
Cardiovascular phenotype. Identifiers: MedGen CN230736.

gnomAD v4.1: 3 of 1,561,572 alleles (0.00019%); highest among the groups gnomAD compares: South Asian, 0.0011%; no homozygotes.

Submission:

Ambry Genetics
Classification: Uncertain significance for Cardiovascular phenotype. Last evaluated: 2024-03-29. Review status: criteria provided, single submitter. Criteria: Ambry Variant Classification Scheme 2023. Collection method: clinical testing. Allele origin: germline.
Comment: The p.M2231T variant (also known as c.6692T>C), located in coding exon 29 of the AKAP9 gene, results from a T to C substitution at nucleotide position 6692. The methionine at codon 2231 is replaced by threonine, an amino acid with similar properties. This amino acid position is conserved. In addition, this alteration is predicted to be tolerated by in silico analysis. Based on the available evidence, the clinical significance of this alteration remains unclear.